The following is an entry in ClinVar:

NM_020971.3(SPTBN4):c.5104C>T (p.Gln1702Ter)

Gene: SPTBN4 (spectrin beta, non-erythrocytic 4; plus strand). Cytogenetic location: 19q13.2.
Variant type: single nucleotide variant.
Coding change: c.5104C>T on transcript NM_020971.3 (MANE Select); coding-DNA position 5104, C replaced by T.
Protein change: p.Gln1702Ter; replaces glutamine 1702 with a stop codon.
Molecular consequence: nonsense.
Genome position (GRCh38, 1-based): chr19:40,556,103, C>T. VCF-style: chr19-40556103-C-T. GRCh37 (hg19) VCF-style: chr19-41062009-C-T.
Other names: c.1132C>T, p.Gln378Ter (NM_025213.3); short protein forms Q1702*, Q378*.
Identifiers: ClinVar variation 4996110 (VCV004996110.1).
Genomic context (GRCh38, chr19:40,556,103, plus strand): 5'-GTCTCAGGGGTCCATCCCTGCCCCTCCATGTCCCCCTTCAGCGAGCAGATCAGCCGGCGG[C>T]AGTCTCAGGTGGACCGCCTGTACGTGGCGCTCAAGGAGCTGGGTGAGGAGCGCCGGGTGG-3'

ClinVar aggregate classification (germline): Likely pathogenic (1 of 4 stars; one submission).

Conditions:
SPTBN4-related disorder. Also called: SPTBN4-related condition.

Submission:

PreventionGenetics, part of Exact Sciences
Classification: Likely pathogenic for SPTBN4-related condition. Last evaluated: 2026-03-19. Review status: criteria provided, single submitter. Criteria: ACMG Guidelines, 2015. Collection method: clinical testing. Allele origin: germline.
Comment: The SPTBN4 c.5104C>T variant is predicted to result in premature protein termination (p.Gln1702*). To our knowledge, this variant has not been reported in the literature or in a large population database (gnomAD), indicating this variant is rare. Nonsense variants in SPTBN4 are expected to be pathogenic. This variant is interpreted as likely pathogenic.